The following is an entry in ClinVar:

ClinVar aggregate classification (germline): Uncertain significance (1 of 4 stars; one submission).

Submission:

GeneDx
Classification: Uncertain significance. Last evaluated: 2022-07-07. Review status: criteria provided, single submitter. Criteria: GeneDx Variant Classification Process June 2021. Collection method: clinical testing. Allele origin: germline. Affected: yes.
Comment: Not observed at significant frequency in large population cohorts (gnomAD); In silico analysis supports that this missense variant has a deleterious effect on protein structure/function; Has not been previously published as pathogenic or benign to our knowledge

NM_000807.4(GABRA2):c.1297A>G (p.Asn433Asp)

Gene: GABRA2 (gamma-aminobutyric acid type A receptor subunit alpha2; minus strand). Cytogenetic location: 4p12.
Variant type: single nucleotide variant.
Coding change: c.1297A>G on transcript NM_000807.4 (MANE Select); coding-DNA position 1297, A replaced by G.
Protein change: p.Asn433Asp; replaces asparagine 433 with aspartic acid.
Molecular consequence: missense variant.
Genome position (GRCh38, 1-based): chr4:46,250,367, T>C on the plus strand (A>G on the coding strand, the complement: GABRA2 is on the minus strand). VCF-style: chr4-46250367-T-C. GRCh37 (hg19) VCF-style: chr4-46252384-T-C.
Other names: c.1297A>G, p.Asn433Asp (NM_001114175.3, NM_001377146.1, NM_001377147.1 and 4 more transcripts); c.1312A>G, p.Asn438Asp (NM_001286827.3); c.1477A>G, p.Asn493Asp (NM_001330690.2, NM_001377144.1, NM_001377145.1); c.1132A>G, p.Asn378Asp (NM_001377152.1, NM_001377153.1, NM_001377154.1); short protein forms N378D, N433D, N438D, N493D.
Identifiers: ClinVar variation 1810455 (VCV001810455.1), dbSNP rs2475197413, ClinGen allele CA356802221.